The following is an entry in ClinVar:

NM_001267550.2(TTN):c.14813T>C (p.Phe4938Ser)

Gene: TTN (titin; minus strand). Cytogenetic location: 2q31.2.
Variant type: single nucleotide variant.
Coding change: c.14813T>C on transcript NM_001267550.2 (MANE Select); coding-DNA position 14813, T replaced by C.
Protein change: p.Phe4938Ser; replaces phenylalanine 4938 with serine.
Molecular consequence: missense variant. On other transcripts: intron variant (3).
Genome position (GRCh38, 1-based): chr2:178,735,633, A>G on the plus strand (T>C on the coding strand, the complement: TTN is on the minus strand). VCF-style: chr2-178735633-A-G. GRCh37 (hg19) VCF-style: chr2-179600360-A-G.
Other names: c.11081T>C, p.Phe3694Ser (NM_133378.4); c.13862T>C, p.Phe4621Ser (NM_001256850.1); c.13282+2449T>C (NM_003319.4); c.13858+2449T>C (NM_133437.4); c.13657+2449T>C (NM_133432.3); short protein forms F4938S, F3694S, F4621S.
Identifiers: ClinVar variation 218569 (VCV000218569.65), dbSNP rs560537668, ClinGen allele CA249334.

ClinVar aggregate classification (germline): Conflicting classifications of pathogenicity. Review status: criteria provided, conflicting classifications (1 of 4 stars). 19 submissions from 15 submitters: Uncertain significance (14); Benign (2); Likely benign (3). Last evaluated 2026-01-01.

Conditions:
TTN-related disorder. Also called: TTN-related condition; TTN-related disease; TTN-related disorders.
Autosomal recessive limb-girdle muscular dystrophy type 2J (LGMDR10). Also called: Limb-girdle muscular dystrophy, type 2J; MUSCULAR DYSTROPHY, LIMB-GIRDLE, AUTOSOMAL RECESSIVE 10. Identifiers: Orphanet 140922, MedGen C1837342, MONDO:0012127, OMIM 608807.
Dilated cardiomyopathy 1G (CMD1G). Identifiers: Orphanet 154, MedGen C1858763, MONDO:0011400, OMIM 604145.
Early-onset myopathy with fatal cardiomyopathy (CMYO5). Also called: CONGENITAL MYOPATHY 5 WITH CARDIOMYOPATHY; Salih Myopathy. Identifiers: Orphanet 289377, MedGen C2673677, MONDO:0012714, OMIM 611705. Disease mechanism: loss of function.
Tibial muscular dystrophy (TMD). Also called: Tibial muscular dystrophy, tardive; UDD MYOPATHY; Udd Distal Myopathy – Tibial Muscular Dystrophy. Identifiers: Orphanet 609, MedGen C1838244, MONDO:0010870, OMIM 600334.
Myopathy, myofibrillar, 9, with early respiratory failure (MFM9). Also called: Hereditary myopathy with early respiratory failure; MYOPATHY, PROXIMAL, WITH EARLY RESPIRATORY MUSCLE INVOLVEMENT; Myopathy, distal, with early respiratory failure, autosomal dominant; EDSTROM MYOPATHY. Identifiers: Orphanet 178464, Orphanet 34521, MedGen C1863599, MONDO:0011362, OMIM 603689.

Allele frequency attached by ClinVar (database versions not stated): 1000 Genomes Project 0.00020; TOPMed 0.00029; ExAC 0.00006; gnomAD exomes 0.00009; gnomAD 0.00011 and 0.00012; 1000 Genomes Project 30x 0.00016.
gnomAD v4.1: 153 of 1,613,722 alleles (0.0095%); highest among the groups gnomAD compares: Middle Eastern, 0.63%; 1 homozygote.

Submissions (19):

CeGaT Center for Human Genetics Tuebingen
Classification: Uncertain significance. Last evaluated: 2026-01-01. Review status: criteria provided, single submitter. Criteria: CeGaT Center For Human Genetics Tuebingen Variant Classification Criteria Version 2. Collection method: clinical testing. Allele origin: germline. Affected: yes. Observed: 2 variant alleles.
Comment: TTN: PM2

Mayo Clinic Laboratories, Mayo Clinic
Classification: Uncertain significance. Last evaluated: 2025-12-12. Review status: criteria provided, single submitter. Criteria: ACMG Guidelines, 2015. Collection method: clinical testing. Allele origin: germline. Observed: 8 variant alleles.
Comment: BS1

PreventionGenetics, part of Exact Sciences
Classification: Uncertain significance for TTN-related condition. Last evaluated: 2025-05-19. Review status: criteria provided, single submitter. Criteria: ACMG Guidelines, 2015. Collection method: clinical testing. Allele origin: germline.
Comment: The TTN c.14813T>C variant is predicted to result in the amino acid substitution p.Phe4938Ser. This variant has been reported in an individual with dilated cardiomyopathy and interpreted as uncertain significance (Table S2, Burstein et al. 2021. PubMed ID: 32746448). This variant is reported in 0.041% of alleles in individuals of Latino descent in gnomAD. Although we suspect that this variant may be benign, at this time, the clinical significance of this variant is uncertain due to the absence of conclusive functional and genetic evidence.

Molecular Diagnostic Laboratory for Inherited Cardiovascular Disease, Montreal Heart Institute
Classification: Likely benign. Last evaluated: 2025-04-09. Review status: criteria provided, single submitter. Criteria: ACMG Guidelines, 2015. Collection method: clinical testing. Allele origin: germline. Affected: no.

Revvity Omics, Revvity
Classification: Uncertain significance. Last evaluated: 2024-10-16. Review status: criteria provided, single submitter. Criteria: ACMG Guidelines, 2015. Collection method: clinical testing. Allele origin: germline.

Blueprint Genetics
Classification: Likely benign. Last evaluated: 2024-09-25. Review status: criteria provided, single submitter. Criteria: ACMG Guidelines, 2015. Collection method: clinical testing. Allele origin: germline.

Women's Health and Genetics/Laboratory Corporation of America, LabCorp
Classification: Uncertain significance. Last evaluated: 2023-03-16. Review status: criteria provided, single submitter. Criteria: LabCorp Variant Classification Summary - May 2015. Collection method: clinical testing. Allele origin: germline.
Comment: Variant summary: TTN c.11081T>C (p.Phe3694Ser) results in a non-conservative amino acid change located in the I band region of the encoded protein sequence. Two of three in-silico tools predict a damaging effect of the variant on protein function. The variant allele was found at a frequency of 9.3e-05 in 248484 control chromosomes (gnomAD). c.11081T>C has been reported in the literature in at-least one individual affected with dilated cardiomyopathy, however, authors classifed the variant as VUS (example: Burstein_2020). These report(s) do not provide unequivocal conclusions about association of the variant with Limb-Girdle Muscular Dystrophy, Type 2J. To our knowledge, no experimental evidence demonstrating an impact on protein function has been reported. Thirteen clinical diagnostic laboratories have submitted clinical-significance assessments for this variant to ClinVar after 2014 and classified the variant as VUS and benign/likely benign. Based on the evidence outlined above, the variant was classified as uncertain significance.

GeneDx
Classification: Likely benign. Last evaluated: 2020-09-29. Review status: criteria provided, single submitter. Criteria: GeneDx Variant Classification Process June 2021. Collection method: clinical testing. Allele origin: germline. Affected: yes.
Comment: Missense variant in a gene in which most reported pathogenic variants are truncating/loss-of-function; In silico analysis, which includes protein predictors and evolutionary conservation, supports that this variant does not alter protein structure/function; Has not been previously published as pathogenic or benign to our knowledge

Baylor Genetics
Classification: Uncertain significance for Autosomal recessive limb-girdle muscular dystrophy type 2J. Last evaluated: 2020-01-08. Review status: criteria provided, single submitter. Criteria: ACMG Guidelines, 2015. Collection method: clinical testing. Allele origin: unknown. Affected: yes.
Comment: This variant was determined to be of uncertain significance according to ACMG Guidelines, 2015 [PMID:25741868].

Athena Diagnostics
Classification: Uncertain significance. Last evaluated: 2018-10-22. Review status: criteria provided, single submitter. Criteria: Athena Diagnostics Criteria. Collection method: clinical testing. Allele origin: germline.

Eurofins Ntd Llc (ga)
Classification: Uncertain significance. Last evaluated: 2018-08-30. Review status: criteria provided, single submitter. Criteria: EGL ClinVar v180209 classification definitions. Collection method: clinical testing. Allele origin: germline. Observed: 4 variant alleles, 4 heterozygotes.

Illumina Laboratory Services, Illumina
Classification: Uncertain significance for Dilated cardiomyopathy 1G. Last evaluated: 2018-01-13. Review status: criteria provided, single submitter. Criteria: ICSL Variant Classification Criteria 13 December 2019. Collection method: clinical testing. Allele origin: germline.

Illumina Laboratory Services, Illumina
Classification: Uncertain significance for Early-onset myopathy with fatal cardiomyopathy. Last evaluated: 2018-01-13. Review status: criteria provided, single submitter. Criteria: ICSL Variant Classification Criteria 13 December 2019. Collection method: clinical testing. Allele origin: germline.

Illumina Laboratory Services, Illumina
Classification: Uncertain significance for Autosomal recessive limb-girdle muscular dystrophy type 2J. Last evaluated: 2018-01-13. Review status: criteria provided, single submitter. Criteria: ICSL Variant Classification Criteria 13 December 2019. Collection method: clinical testing. Allele origin: germline.

Illumina Laboratory Services, Illumina
Classification: Benign for Myopathy, myofibrillar, 9, with early respiratory failure. Last evaluated: 2018-01-13. Review status: criteria provided, single submitter. Criteria: ICSL Variant Classification Criteria 13 December 2019. Collection method: clinical testing. Allele origin: germline.
Comment: This variant was observed in the ICSL laboratory as part of a predisposition screen in an ostensibly healthy population. It had not been previously curated by ICSL or reported in the Human Gene Mutation Database (HGMD: prior to June 1st, 2018), and was therefore a candidate for classification through an automated scoring system. Utilizing variant allele frequency, disease prevalence and penetrance estimates, and inheritance mode, an automated score was calculated to assess if this variant is too frequent to cause the disease. Based on the score and internal cut-off values, a variant classified as benign is not then subjected to further curation. The score for this variant resulted in a classification of benign for this disease.

Illumina Laboratory Services, Illumina
Classification: Benign for Tibial muscular dystrophy. Last evaluated: 2018-01-13. Review status: criteria provided, single submitter. Criteria: ICSL Variant Classification Criteria 13 December 2019. Collection method: clinical testing. Allele origin: germline.
Comment: the same text as in the submission from Illumina Laboratory Services, Illumina above.

Labcorp Genetics (formerly Invitae), Labcorp
Classification: Uncertain significance for Dilated cardiomyopathy 1G; Autosomal recessive limb-girdle muscular dystrophy type 2J. Last evaluated: 2017-09-06. Review status: criteria provided, single submitter. Criteria: Invitae Variant Classification Sherloc (09022015). Collection method: clinical testing. Allele origin: germline.

Genomic Diagnostic Laboratory, Division of Genomic Diagnostics, Children's Hospital of Philadelphia
Classification: Uncertain significance. Last evaluated: 2015-07-10. Review status: criteria provided, single submitter. Criteria: DGD Variant Analysis Guidelines. Collection method: clinical testing. Allele origin: unknown.

Laboratory for Molecular Medicine, Mass General Brigham Personalized Medicine
Classification: Uncertain significance. Last evaluated: 2015-03-18. Review status: criteria provided, single submitter. Criteria: LMM Criteria. Collection method: clinical testing. Allele origin: germline. Observed: 2 variant alleles.
Comment: The p.Phe3694Ser variant in TTN has not been previously reported in individuals with cardiomyopathy, but has been identified in 4/66184 European chromosomes by the Exome Aggregation Consortium (ExAC; dbSNP rs 560537668). Computational prediction tools and conservation analysis do not prov ide strong support for or against an impact to the protein. In summary, the clin ical significance of the p.Phe3694Ser variant is uncertain.

Literature cited by the submitters: PubMed 29420653 (cited by Mayo Clinic Laboratories, Mayo Clinic); PubMed 31983221 (cited by Mayo Clinic Laboratories, Mayo Clinic); PubMed 32746448 (cited by Mayo Clinic Laboratories, Mayo Clinic and Women's Health and Genetics/Laboratory Corporation of America, LabCorp).